The following is an entry in ClinVar:

ClinVar aggregate classification (germline): Uncertain significance (1 of 4 stars; one submission).

Submission:

Ambry Genetics
Classification: Uncertain significance. Last evaluated: 2024-11-01. Review status: criteria provided, single submitter. Criteria: Ambry Variant Classification Scheme 2023. Collection method: clinical testing. Allele origin: germline.
Comment: The p.R1269P variant (also known as c.3806G>C), located in coding exon 17 of the NPAT gene, results from a G to C substitution at nucleotide position 3806. The arginine at codon 1269 is replaced by proline, an amino acid with dissimilar properties. This amino acid position is conserved. In addition, this alteration is predicted to be tolerated by in silico analysis. Based on the available evidence, the clinical significance of this variant remains unclear.

NM_002519.3(NPAT):c.3806G>C (p.Arg1269Pro)

Gene: NPAT (nuclear protein, coactivator of histone transcription; minus strand). Cytogenetic location: 11q22.3.
Variant type: single nucleotide variant.
Coding change: c.3806G>C on transcript NM_002519.3 (MANE Select); coding-DNA position 3806, G replaced by C.
Protein change: p.Arg1269Pro; replaces arginine 1269 with proline.
Molecular consequence: missense variant.
Genome position (GRCh38, 1-based): chr11:108,161,280, C>G on the plus strand (G>C on the coding strand, the complement: NPAT is on the minus strand). VCF-style: chr11-108161280-C-G. GRCh37 (hg19) VCF-style: chr11-108032007-C-G.
Other names: c.3827G>C, p.Arg1276Pro (NM_001321307.1); short protein forms R1269P, R1276P.
Identifiers: ClinVar variation 3407261 (VCV003407261.1).